The following is an entry in ClinVar:

NM_031220.4(PITPNM3):c.2828G>T (p.Arg943Leu)

Gene: PITPNM3 (PITPNM family member 3; minus strand). Cytogenetic location: 17p13.2.
Variant type: single nucleotide variant.
Coding change: c.2828G>T on transcript NM_031220.4 (MANE Select); coding-DNA position 2828, G replaced by T.
Protein change: p.Arg943Leu; replaces arginine 943 with leucine.
Molecular consequence: missense variant.
Genome position (GRCh38, 1-based): chr17:6,455,435, C>A on the plus strand (G>T on the coding strand, the complement: PITPNM3 is on the minus strand). VCF-style: chr17-6455435-C-A. GRCh37 (hg19) VCF-style: chr17-6358755-C-A.
Other names: c.2720G>T, p.Arg907Leu (NM_001165966.2); short protein forms R943L, R907L.
Identifiers: ClinVar variation 2002117 (VCV002002117.4), dbSNP rs755055513, ClinGen allele CA397399705.

ClinVar aggregate classification (germline): Uncertain significance (1 of 4 stars; one submission).

Submission:

Labcorp Genetics (formerly Invitae), Labcorp
Classification: Uncertain significance. Last evaluated: 2022-06-02. Review status: criteria provided, single submitter. Criteria: Invitae Variant Classification Sherloc (09022015). Collection method: clinical testing. Allele origin: germline.
Comment: In summary, the available evidence is currently insufficient to determine the role of this variant in disease. Therefore, it has been classified as a Variant of Uncertain Significance. Algorithms developed to predict the effect of missense changes on protein structure and function are either unavailable or do not agree on the potential impact of this missense change (SIFT: "Deleterious"; PolyPhen-2: "Possibly Damaging"; Align-GVGD: "Class C0"). This variant has not been reported in the literature in individuals affected with PITPNM3-related conditions. This variant is not present in population databases (gnomAD no frequency). This sequence change replaces arginine, which is basic and polar, with leucine, which is neutral and non-polar, at codon 943 of the PITPNM3 protein (p.Arg943Leu).